The following is an entry in ClinVar:

NM_006767.4(LZTR1):c.2364G>T (p.Met788Ile)

Gene: LZTR1 (leucine zipper like post translational regulator 1; plus strand). Cytogenetic location: 22q11.21.
Variant type: single nucleotide variant.
Coding change: c.2364G>T on transcript NM_006767.4 (MANE Select); coding-DNA position 2364, G replaced by T.
Protein change: p.Met788Ile; replaces methionine 788 with isoleucine.
Molecular consequence: missense variant.
Genome position (GRCh38, 1-based): chr22:20,996,924, G>T. VCF-style: chr22-20996924-G-T. GRCh37 (hg19) VCF-style: chr22-21351213-G-T.
Other names: short protein forms M788I.
Identifiers: ClinVar variation 3238237 (VCV003238237.1), dbSNP rs2518626067.

ClinVar aggregate classification (germline): Uncertain significance (1 of 4 stars; one submission).

Conditions:
Hereditary cancer-predisposing syndrome. Also called: Neoplastic Syndromes, Hereditary; Tumor predisposition; Hereditary neoplastic syndrome; Hereditary Cancer Syndrome. Identifiers: Orphanet 140162, MedGen C0027672, MeSH D009386, MONDO:0015356.
Cardiovascular phenotype. Identifiers: MedGen CN230736.

Submission:

Ambry Genetics
Classification: Uncertain significance for Cardiovascular phenotype; Hereditary cancer-predisposing syndrome. Last evaluated: 2023-04-19. Review status: criteria provided, single submitter. Criteria: Ambry Variant Classification Scheme 2023. Collection method: clinical testing. Allele origin: germline.
Comment: The p.M788I variant (also known as c.2364G>T), located in coding exon 20 of the LZTR1 gene, results from a G to T substitution at nucleotide position 2364. The methionine at codon 788 is replaced by isoleucine, an amino acid with highly similar properties. This amino acid position is conserved. In addition, this alteration is predicted to be deleterious by in silico analysis. Since supporting evidence is limited at this time, the clinical significance of this alteration remains unclear.